The following is an entry in ClinVar:

NM_014865.4(NCAPD2):c.1653T>C (p.His551=)

Gene: NCAPD2 (non-SMC condensin I complex subunit D2; plus strand). Cytogenetic location: 12p13.31.
Variant type: single nucleotide variant.
Coding change: c.1653T>C on transcript NM_014865.4 (MANE Select); coding-DNA position 1653, T replaced by C.
Protein change: p.His551=; no amino-acid change (histidine 551 retained).
Molecular consequence: synonymous variant.
Genome position (GRCh38, 1-based): chr12:6,521,049, T>C. VCF-style: chr12-6521049-T-C. GRCh37 (hg19) VCF-style: chr12-6630215-T-C.
Identifiers: ClinVar variation 3044588 (VCV003044588.10), dbSNP rs139746094, ClinGen allele CA6408461.

ClinVar aggregate classification (germline): Likely benign. Review status: criteria provided, single submitter (1 of 4 stars). 2 submissions from 2 submitters: Likely benign (1). 1 of the submissions does not count toward it. Last evaluated 2025-09-01.

Conditions:
NCAPD2-related disorder. Also called: NCAPD2-related condition.

Allele frequency attached by ClinVar (database versions not stated): TOPMed 0.00014; gnomAD 0.00016; gnomAD exomes 0.00020; ExAC 0.00031.
gnomAD v4.1: 317 of 1,614,070 alleles (0.02%); highest among the groups gnomAD compares: Middle Eastern, 0.15%; 2 homozygotes.

Submissions (2):

CeGaT Center for Human Genetics Tuebingen
Classification: Likely benign. Last evaluated: 2025-09-01. Review status: criteria provided, single submitter. Criteria: CeGaT Center For Human Genetics Tuebingen Variant Classification Criteria Version 2. Collection method: clinical testing. Allele origin: germline. Affected: yes. Observed: 1 variant allele.
Comment: NCAPD2: BP4, BP7

PreventionGenetics, part of Exact Sciences
Classification: Likely benign for NCAPD2-related condition. Last evaluated: 2019-06-06. Review status: no assertion criteria provided. Collection method: clinical testing. Allele origin: germline. Not counted in ClinVar's aggregate classification.
Comment: This variant is classified as likely benign based on ACMG/AMP sequence variant interpretation guidelines (Richards et al. 2015 PMID: 25741868, with internal and published modifications).